The following is an entry in ClinVar:

NM_001478.5(B4GALNT1):c.118T>G (p.Trp40Gly)

Gene: B4GALNT1 (beta-1,4-N-acetyl-galactosaminyltransferase 1; minus strand). Cytogenetic location: 12q13.3.
Variant type: single nucleotide variant.
Coding change: c.118T>G on transcript NM_001478.5 (MANE Select); coding-DNA position 118, T replaced by G.
Protein change: p.Trp40Gly; replaces tryptophan 40 with glycine.
Molecular consequence: missense variant.
Genome position (GRCh38, 1-based): chr12:57,632,015, A>C on the plus strand (T>G on the coding strand, the complement: B4GALNT1 is on the minus strand). VCF-style: chr12-57632015-A-C. GRCh37 (hg19) VCF-style: chr12-58025798-A-C.
Other names: c.118T>G, p.Trp40Gly (NM_001276468.2, NM_001276469.2); c.118T>G (NM_001478.3); short protein forms W40G.
Identifiers: ClinVar variation 1194679 (VCV001194679.3), dbSNP rs935908585, ClinGen allele CA237793876.

ClinVar aggregate classification (germline): Uncertain significance. Review status: criteria provided, multiple submitters, no conflicts (2 of 4 stars). 2 submissions from 2 submitters: Uncertain significance (2). Last evaluated 2025-05-05.

Conditions:
Inborn genetic diseases. Identifiers: MedGen C0950123, MeSH D030342.

Allele frequency attached by ClinVar (database versions not stated): gnomAD exomes 0.00003 and 0.00006; gnomAD 0.00002; TOPMed 0.00002.
gnomAD v4.1: 90 of 1,447,416 alleles (0.0062%); highest among the groups gnomAD compares: Non-Finnish European, 0.0075%; no homozygotes.

Submissions (2):

Ambry Genetics
Classification: Uncertain significance for Inborn genetic diseases. Last evaluated: 2025-05-05. Review status: criteria provided, single submitter. Criteria: Ambry Variant Classification Scheme 2023. Collection method: clinical testing. Allele origin: germline.

GeneDx
Classification: Uncertain significance. Last evaluated: 2019-07-24. Review status: criteria provided, single submitter. Criteria: GeneDx Variant Classification Process June 2021. Collection method: clinical testing. Allele origin: germline. Affected: yes.
Comment: Not observed at a significant frequency in large population cohorts (Lek et al., 2016); In silico analysis, which includes protein predictors and evolutionary conservation, supports a deleterious effect; Has not been previously published as pathogenic or benign to our knowledge